The following is an entry in ClinVar:

ClinVar aggregate classification (germline): Uncertain significance. Review status: criteria provided, multiple submitters, no conflicts (2 of 4 stars). 4 submissions from 4 submitters: Uncertain significance (4). Last evaluated 2025-10-23.

Conditions:
Cardiomyopathy (CMYO). Also called: Cardiomyopathies. Identifiers: Orphanet 167848, MedGen C0878544, MONDO:0004994, HP:0001638. Inheritance: Various modes of inheritance.
Catecholaminergic polymorphic ventricular tachycardia 1. Also called: VENTRICULAR TACHYCARDIA, CATECHOLAMINERGIC POLYMORPHIC, 1, WITH OR WITHOUT ATRIAL DYSFUNCTION AND/OR DILATED CARDIOMYOPATHY; VENTRICULAR TACHYCARDIA, STRESS-INDUCED POLYMORPHIC 1; RYR2-Related Catecholaminergic Polymorphic Ventricular Tachycardia. Identifiers: Orphanet 3286, MedGen C1631597, MONDO:0011484, OMIM 604772.
Cardiovascular phenotype. Identifiers: MedGen CN230736.

Submissions (4):

Labcorp Genetics (formerly Invitae), Labcorp
Classification: Uncertain significance for Catecholaminergic polymorphic ventricular tachycardia 1. Last evaluated: 2025-10-23. Review status: criteria provided, single submitter. Criteria: Invitae Variant Classification Sherloc (09022015). Collection method: clinical testing. Allele origin: germline.
Comment: This sequence change replaces serine, which is neutral and polar, with leucine, which is neutral and non-polar, at codon 3106 of the RYR2 protein (p.Ser3106Leu). The frequency data for this variant in the population databases is considered unreliable, as metrics indicate poor data quality at this position in the gnomAD database. This variant has not been reported in the literature in individuals affected with RYR2-related conditions. ClinVar contains an entry for this variant (Variation ID: 928334). An algorithm developed to predict the effect of missense changes on protein structure and function (PolyPhen-2) suggests that this variant is likely to be tolerated. In summary, the available evidence is currently insufficient to determine the role of this variant in disease. Therefore, it has been classified as a Variant of Uncertain Significance.

Ambry Genetics
Classification: Uncertain significance for Cardiovascular phenotype. Last evaluated: 2025-10-08. Review status: criteria provided, single submitter. Criteria: Ambry Variant Classification Scheme 2023. Collection method: clinical testing. Allele origin: germline.
Comment: The c.9317_9318delCTinsTG variant, located in coding exon 65 of the RYR2 gene, results from an in-frame deletion of CT and insertion of TG at nucleotide positions 9317 to 9318. This results in the substitution of the serine residue for a leucine residue at codon 3106, an amino acid with dissimilar properties. Based on data from gnomAD, this allele has an overall frequency of 0.002046% (5/244366) total alleles studied. The highest observed frequency was 0.01006% (1/9936) of Ashkenazi Jewish alleles. This amino acid position is well conserved in available vertebrate species. In addition, the in silico prediction for this variant is inconclusive (Choi Y et al. PLoS ONE. 2012; 7(10):e46688). Based on the available evidence, the clinical significance of this variant remains unclear.

GeneDx
Classification: Uncertain significance. Last evaluated: 2024-07-18. Review status: criteria provided, single submitter. Criteria: GeneDx Variant Classification Process June 2021. Collection method: clinical testing. Allele origin: germline. Affected: yes.
Comment: Has not been previously published as pathogenic or benign to our knowledge; Not observed at significant frequency in large population cohorts (gnomAD); Not located in one of the three hot-spot regions of the RYR2 gene, where the majority of pathogenic missense variants occur (PMID: 19926015); In silico analysis supports a deleterious effect on protein structure/function; This variant is associated with the following publications: (PMID: 19926015)

Color Diagnostics, LLC DBA Color Health
Classification: Uncertain significance for Cardiomyopathy. Last evaluated: 2024-03-06. Review status: criteria provided, single submitter. Criteria: ACMG Guidelines, 2015. Collection method: clinical testing. Allele origin: germline.
Comment: This missense variant replaces serine with leucine at codon 3106 of the RYR2 protein. Computational prediction is inconclusive regarding the impact of this variant on protein structure and function (internally defined REVEL score threshold 0.5 < inconclusive < 0.7, PMID: 27666373). To our knowledge, functional studies have not been reported for this variant. This variant has not been reported in individuals affected with cardiovascular disorders in the literature. This variant has not been identified in the general population by the Genome Aggregation Database (gnomAD). The available evidence is insufficient to determine the role of this variant in disease conclusively. Therefore, this variant is classified as a Variant of Uncertain Significance.

NM_001035.3(RYR2):c.9317_9318delinsTG (p.Ser3106Leu)

Gene: RYR2 (ryanodine receptor 2; plus strand). Cytogenetic location: 1q43.
Variant type: Indel.
Coding change: c.9317_9318delinsTG on transcript NM_001035.3 (MANE Select); coding-DNA positions 9317 to 9318, CT replaced by TG.
Protein change: p.Ser3106Leu; replaces serine 3106 with leucine.
Molecular consequence: missense variant.
Genome position (GRCh38, 1-based): chr1:237,700,417-237,700,418, CT replaced by TG. VCF-style: chr1-237700417-CT-TG. GRCh37 (hg19) VCF-style: chr1-237863717-CT-TG.
Other names: c.9317_9318delCTinsTG (NM_001035.2); short protein forms S3106L.
Identifiers: ClinVar variation 928334 (VCV000928334.17), dbSNP rs1687864745, ClinGen allele CA913187857.